The following is an entry in ClinVar:

NM_002519.3(NPAT):c.2987G>C (p.Gly996Ala)

Gene: NPAT (nuclear protein, coactivator of histone transcription; minus strand). Cytogenetic location: 11q22.3.
Variant type: single nucleotide variant.
Coding change: c.2987G>C on transcript NM_002519.3 (MANE Select); coding-DNA position 2987, G replaced by C.
Protein change: p.Gly996Ala; replaces glycine 996 with alanine.
Molecular consequence: missense variant.
Genome position (GRCh38, 1-based): chr11:108,169,767, C>G on the plus strand (G>C on the coding strand, the complement: NPAT is on the minus strand). VCF-style: chr11-108169767-C-G. GRCh37 (hg19) VCF-style: chr11-108040494-C-G.
Other names: c.2987G>C, p.Gly996Ala (NM_001321307.1); short protein forms G996A.
Identifiers: ClinVar variation 3407166 (VCV003407166.1).

ClinVar aggregate classification (germline): Uncertain significance (1 of 4 stars; one submission).

gnomAD v4.1: 1 of 1,612,726 alleles (0.000062%); highest among the groups gnomAD compares: Non-Finnish European, 0.000085%; no homozygotes.

Submission:

Ambry Genetics
Classification: Uncertain significance. Last evaluated: 2024-07-02. Review status: criteria provided, single submitter. Criteria: Ambry Variant Classification Scheme 2023. Collection method: clinical testing. Allele origin: germline.
Comment: The p.G996A variant (also known as c.2987G>C), located in coding exon 15 of the NPAT gene, results from a G to C substitution at nucleotide position 2987. The glycine at codon 996 is replaced by alanine, an amino acid with similar properties. This amino acid position is conserved. In addition, this alteration is predicted to be tolerated by in silico analysis. Based on the available evidence, the clinical significance of this variant remains unclear.